The following is an entry in ClinVar:

NM_001846.4(COL4A2):c.1948C>T (p.Pro650Ser)

Gene: COL4A2 (collagen type IV alpha 2 chain; plus strand). Cytogenetic location: 13q34.
Variant type: single nucleotide variant.
Coding change: c.1948C>T on transcript NM_001846.4 (MANE Select); coding-DNA position 1948, C replaced by T.
Protein change: p.Pro650Ser; replaces proline 650 with serine.
Molecular consequence: missense variant.
Genome position (GRCh38, 1-based): chr13:110,465,576, C>T. VCF-style: chr13-110465576-C-T. GRCh37 (hg19) VCF-style: chr13-111117923-C-T.
Other names: p.Pro650Ser; short protein forms P650S.
Identifiers: ClinVar variation 311138 (VCV000311138.47), dbSNP rs200735885, ClinGen allele CA7049753.

ClinVar aggregate classification (germline): Conflicting classifications of pathogenicity. Review status: criteria provided, conflicting classifications (1 of 4 stars). 9 submissions from 9 submitters: Uncertain significance (1); Benign (5); Likely benign (2). 1 of the submissions does not count toward it. Last evaluated 2026-06-01.

Conditions:
Optic nerve hypoplasia. Identifiers: MedGen C0338502, HP:0000609.
COL4A2-related disorder. Also called: COL4A2-related disorders; COL4A2-related condition.
Inborn genetic diseases. Identifiers: MedGen C0950123, MeSH D030342.
Brain small vessel disease 2A, autosomal dominant. Also called: Porencephaly 2. Identifiers: Orphanet 2940, Orphanet 99810, MedGen C3280970, MONDO:0013773, OMIM 614483.

Allele frequency attached by ClinVar (database versions not stated): 1000 Genomes Project 0.00060; 1000 Genomes Project 30x 0.00078; TOPMed 0.00121; ESP Exome Variant Server 0.00126; gnomAD 0.00161 and 0.00166; gnomAD exomes 0.00176 and 0.00186; ExAC 0.00177.
gnomAD v4.1: 2,801 of 1,613,708 alleles (0.17%); highest among the groups gnomAD compares: Admixed American, 0.19%; 9 homozygotes.

Submissions (9):

CeGaT Center for Human Genetics Tuebingen
Classification: Benign. Last evaluated: 2026-06-01. Review status: criteria provided, single submitter. Criteria: CeGaT Center For Human Genetics Tuebingen Variant Classification Criteria Version 2. Collection method: clinical testing. Allele origin: germline. Affected: yes. Observed: 4 variant alleles.
Comment: COL4A2: BS1, BS2

Ambry Genetics
Classification: Likely benign for Inborn genetic diseases. Last evaluated: 2026-04-23. Review status: criteria provided, single submitter. Criteria: Ambry Variant Classification Scheme 2023. Collection method: clinical testing. Allele origin: germline.

Labcorp Genetics (formerly Invitae), Labcorp
Classification: Benign. Last evaluated: 2026-01-26. Review status: criteria provided, single submitter. Criteria: Invitae Variant Classification Sherloc (09022015). Collection method: clinical testing. Allele origin: germline.

Mayo Clinic Laboratories, Mayo Clinic
Classification: Benign. Last evaluated: 2025-06-04. Review status: criteria provided, single submitter. Criteria: ACMG Guidelines, 2015. Collection method: clinical testing. Allele origin: germline. Observed: 1 variant allele.
Comment: BS1, BS2, BP4

Blueprint Genetics
Classification: Likely benign. Last evaluated: 2024-11-13. Review status: criteria provided, single submitter. Criteria: ACMG Guidelines, 2015. Collection method: clinical testing. Allele origin: germline.

GeneDx
Classification: Benign. Last evaluated: 2020-01-13. Review status: criteria provided, single submitter. Criteria: GeneDx Variant Classification Process June 2021. Collection method: clinical testing. Allele origin: germline. Affected: yes.
Comment: This variant is associated with the following publications: (PMID: 24036952)

Rare Disease Group, Clinical Genetics, Karolinska Institutet
Classification: Uncertain significance for Optic nerve hypoplasia. Last evaluated: 2018-02-14. Review status: criteria provided, single submitter. Criteria: ACMG Guidelines, 2015. Collection method: research. Allele origin: paternal. Inheritance: Autosomal dominant inheritance. Affected: yes. Observed: 1 variant allele, 1 heterozygote.
Comment: COL4A2 mutations have been seen in optic nerve hypoplasia previously and the penetrance has been shown to be highly varying even within families.

Illumina Laboratory Services, Illumina
Classification: Benign for Brain small vessel disease 2A, autosomal dominant. Last evaluated: 2018-01-12. Review status: criteria provided, single submitter. Criteria: ICSL Variant Classification Criteria 13 December 2019. Collection method: clinical testing. Allele origin: germline.
Comment: This variant was observed in the ICSL laboratory as part of a predisposition screen in an ostensibly healthy population. It had not been previously curated by ICSL or reported in the Human Gene Mutation Database (HGMD: prior to June 1st, 2018), and was therefore a candidate for classification through an automated scoring system. Utilizing variant allele frequency, disease prevalence and penetrance estimates, and inheritance mode, an automated score was calculated to assess if this variant is too frequent to cause the disease. Based on the score and internal cut-off values, a variant classified as benign is not then subjected to further curation. The score for this variant resulted in a classification of benign for this disease.

PreventionGenetics, part of Exact Sciences
Classification: Likely benign for COL4A2-related condition. Last evaluated: 2022-02-23. Review status: no assertion criteria provided. Collection method: clinical testing. Allele origin: germline. Not counted in ClinVar's aggregate classification.
Comment: This variant is classified as likely benign based on ACMG/AMP sequence variant interpretation guidelines (Richards et al. 2015 PMID: 25741868, with internal and published modifications).